The following is an entry in ClinVar:

ClinVar aggregate classification (germline): Uncertain significance. Review status: criteria provided, multiple submitters, no conflicts (2 of 4 stars). 4 submissions from 4 submitters: Uncertain significance (4). Last evaluated 2026-04-20.

Conditions:
Bardet-Biedl syndrome 14 (BBS14). Identifiers: Orphanet 110, MedGen C2673874, MONDO:0014442, OMIM 615991.
Leber congenital amaurosis 10 (LCA10). Identifiers: Orphanet 65, MedGen C1857821, MONDO:0012723, OMIM 611755.
Joubert syndrome 5 (JBTS5). Identifiers: Orphanet 2318, MedGen C1857780, MONDO:0012432, OMIM 610188.
Senior-Loken syndrome 6 (SLSN6). Identifiers: Orphanet 3156, MedGen C1857779, MONDO:0012433, OMIM 610189.
Meckel syndrome, type 4 (MKS4). Also called: MECKEL-GRUBER SYNDROME, TYPE 4. Identifiers: Orphanet 564, MedGen C1970161, MONDO:0012626, OMIM 611134.
Nephronophthisis. Also called: Juvenile Nephronophthisis. Identifiers: Orphanet 655, MedGen C0687120, MONDO:0019005, HP:0000090.
Meckel-Gruber syndrome. Also called: DYSENCEPHALIA SPLANCHNOCYSTICA; Dysencephalia splachnocystica; GRUBER SYNDROME. Identifiers: Orphanet 564, MedGen C0265215, MONDO:0018921.
Joubert syndrome. Also called: Familial aplasia of the vermis; JOUBERT-BOLTSHAUSER SYNDROME. Identifiers: Orphanet 475, MedGen C5979921, MONDO:0018772.
CEP290-related disorder. Also called: CEP290-related condition; CEP290-related disorders. Identifiers: MedGen CN239314.

Allele frequency attached by ClinVar (database versions not stated): TOPMed 0.00007.
gnomAD v4.1: 12 of 1,552,852 alleles (0.00077%); highest among the groups gnomAD compares: African/African-American, 0.011%; no homozygotes.

Submissions (4):

PreventionGenetics, part of Exact Sciences
Classification: Uncertain significance for CEP290-related condition. Last evaluated: 2026-04-20. Review status: criteria provided, single submitter. Criteria: ACMG Guidelines, 2015. Collection method: clinical testing. Allele origin: germline.
Comment: The CEP290 c.6452T>G variant is predicted to result in the amino acid substitution p.Leu2151Trp. To our knowledge, this variant has not been reported in the literature. This variant is reported in 0.011% of alleles in individuals of African descent in gnomAD. At this time, the clinical significance of this variant is uncertain due to the absence of conclusive functional and genetic evidence.

Labcorp Genetics (formerly Invitae), Labcorp
Classification: Uncertain significance for Joubert syndrome; Meckel-Gruber syndrome; Nephronophthisis. Last evaluated: 2024-10-25. Review status: criteria provided, single submitter. Criteria: Invitae Variant Classification Sherloc (09022015). Collection method: clinical testing. Allele origin: germline.
Comment: This sequence change replaces leucine, which is neutral and non-polar, with tryptophan, which is neutral and slightly polar, at codon 2151 of the CEP290 protein (p.Leu2151Trp). This variant is present in population databases (no rsID available, gnomAD 0.01%). This variant has not been reported in the literature in individuals affected with CEP290-related conditions. ClinVar contains an entry for this variant (Variation ID: 943767). Invitae Evidence Modeling of protein sequence and biophysical properties (such as structural, functional, and spatial information, amino acid conservation, physicochemical variation, residue mobility, and thermodynamic stability) indicates that this missense variant is expected to disrupt CEP290 protein function with a positive predictive value of 80%. In summary, the available evidence is currently insufficient to determine the role of this variant in disease. Therefore, it has been classified as a Variant of Uncertain Significance.

Fulgent Genetics
Classification: Uncertain significance for Joubert syndrome 5; Senior-Loken syndrome 6; Meckel syndrome, type 4; Leber congenital amaurosis 10; Bardet-Biedl syndrome 14. Last evaluated: 2022-05-03. Review status: criteria provided, single submitter. Criteria: ACMG Guidelines, 2015. Collection method: clinical testing. Allele origin: unknown.

Blueprint Genetics
Classification: Uncertain significance. Last evaluated: 2021-09-09. Review status: criteria provided, single submitter. Criteria: ACMG Guidelines, 2015. Collection method: clinical testing. Allele origin: germline.

NM_025114.4(CEP290):c.6452T>G (p.Leu2151Trp)

Gene: CEP290 (centrosomal protein 290; minus strand). Cytogenetic location: 12q21.32.
Variant type: single nucleotide variant.
Coding change: c.6452T>G on transcript NM_025114.4 (MANE Select); coding-DNA position 6452, T replaced by G.
Protein change: p.Leu2151Trp; replaces leucine 2151 with tryptophan.
Molecular consequence: missense variant.
Genome position (GRCh38, 1-based): chr12:88,060,900, A>C on the plus strand (T>G on the coding strand, the complement: CEP290 is on the minus strand). VCF-style: chr12-88060900-A-C. GRCh37 (hg19) VCF-style: chr12-88454677-A-C.
Other names: short protein forms L2151W.
Identifiers: ClinVar variation 943767 (VCV000943767.9), dbSNP rs191613017, ClinGen allele CA241147777.